The following is an entry in ClinVar:

ClinVar aggregate classification (germline): Conflicting classifications of pathogenicity. Review status: criteria provided, conflicting classifications (1 of 4 stars). 3 submissions from 3 submitters: Uncertain significance (1); Likely benign (2). Last evaluated 2024-08-07.

Conditions:
RASopathy. Also called: rasopathies; Noonan spectrum disorder. Identifiers: Orphanet 536391, MedGen C5555857, MONDO:0021060.
Cardiovascular phenotype. Identifiers: MedGen CN230736.

Allele frequency attached by ClinVar (database versions not stated): TOPMed 0.00001; gnomAD 0.00002; gnomAD exomes 0.00002; ExAC 0.00007.

Submissions (3):

Ambry Genetics
Classification: Uncertain significance for Cardiovascular phenotype. Last evaluated: 2024-08-07. Review status: criteria provided, single submitter. Criteria: Ambry Variant Classification Scheme 2023. Collection method: clinical testing. Allele origin: germline.
Comment: The p.G32R variant (also known as c.94G>C), located in coding exon 2 of the SOS1 gene, results from a G to C substitution at nucleotide position 94. The glycine at codon 32 is replaced by arginine, an amino acid with dissimilar properties. This amino acid position is conserved. In addition, this alteration is predicted to be tolerated by in silico analysis. Based on the available evidence, the clinical significance of this variant remains unclear.

Blueprint Genetics
Classification: Likely benign. Last evaluated: 2023-08-01. Review status: criteria provided, single submitter. Criteria: ACMG Guidelines, 2015. Collection method: clinical testing. Allele origin: germline.

Labcorp Genetics (formerly Invitae), Labcorp
Classification: Likely benign for RASopathy. Last evaluated: 2023-06-22. Review status: criteria provided, single submitter. Criteria: Invitae Variant Classification Sherloc (09022015). Collection method: clinical testing. Allele origin: germline.

NM_005633.4(SOS1):c.94G>C (p.Gly32Arg)

Gene: SOS1 (SOS Ras/Rac guanine nucleotide exchange factor 1; minus strand). Cytogenetic location: 2p22.1.
Variant type: single nucleotide variant.
Coding change: c.94G>C on transcript NM_005633.4 (MANE Select); coding-DNA position 94, G replaced by C.
Protein change: p.Gly32Arg; replaces glycine 32 with arginine.
Molecular consequence: missense variant.
Genome position (GRCh38, 1-based): chr2:39,067,747, C>G on the plus strand (G>C on the coding strand, the complement: SOS1 is on the minus strand). VCF-style: chr2-39067747-C-G. GRCh37 (hg19) VCF-style: chr2-39294888-C-G.
Other names: c.73G>C, p.Gly25Arg (NM_001382394.1); c.94G>C, p.Gly32Arg (NM_001382395.1); short protein forms G32R, G25R.
Identifiers: ClinVar variation 2758908 (VCV002758908.5), dbSNP rs764501046, ClinGen allele CA1624858.